The following is an entry in ClinVar:

NM_176787.5(PIGN):c.1375T>C (p.Ser459Pro)

Gene: PIGN (phosphatidylinositol glycan anchor biosynthesis class N; minus strand). Cytogenetic location: 18q21.33.
Variant type: single nucleotide variant.
Coding change: c.1375T>C on transcript NM_176787.5 (MANE Select); coding-DNA position 1375, T replaced by C.
Protein change: p.Ser459Pro; replaces serine 459 with proline.
Molecular consequence: missense variant.
Genome position (GRCh38, 1-based): chr18:62,113,193, A>G on the plus strand (T>C on the coding strand, the complement: PIGN is on the minus strand). VCF-style: chr18-62113193-A-G. GRCh37 (hg19) VCF-style: chr18-59780426-A-G.
Other names: c.1375T>C, p.Ser459Pro (NM_012327.6); short protein forms S459P.
Identifiers: ClinVar variation 1713738 (VCV001713738.5), dbSNP rs2513115813, ClinGen allele CA402605774.

ClinVar aggregate classification (germline): Uncertain significance (1 of 4 stars; one submission).

Conditions:
Multiple congenital anomalies-hypotonia-seizures syndrome 1 (MCAHS1). Also called: PIGN-CDG; Congenital disorder of glycosylation due to PIGN deficiency; GLYCOSYLPHOSPHATIDYLINOSITOL BIOSYNTHESIS DEFECT 3. Identifiers: Orphanet 280633, MedGen C3279775, MONDO:0013563, OMIM 614080.

Submission:

Labcorp Genetics (formerly Invitae), Labcorp
Classification: Uncertain significance for Multiple congenital anomalies-hypotonia-seizures syndrome 1. Last evaluated: 2022-07-15. Review status: criteria provided, single submitter. Criteria: Invitae Variant Classification Sherloc (09022015). Collection method: clinical testing. Allele origin: germline.
Comment: In summary, the available evidence is currently insufficient to determine the role of this variant in disease. Therefore, it has been classified as a Variant of Uncertain Significance. Algorithms developed to predict the effect of missense changes on protein structure and function are either unavailable or do not agree on the potential impact of this missense change (SIFT: "Not Available"; PolyPhen-2: "Benign"; Align-GVGD: "Not Available"). This variant has not been reported in the literature in individuals affected with PIGN-related conditions. This variant is not present in population databases (gnomAD no frequency). This sequence change replaces serine, which is neutral and polar, with proline, which is neutral and non-polar, at codon 459 of the PIGN protein (p.Ser459Pro).